The following is an entry in ClinVar:

NM_005902.4(SMAD3):c.660C>A (p.Asp220Glu)

Gene: SMAD3 (SMAD family member 3; plus strand). Cytogenetic location: 15q22.33.
Variant type: single nucleotide variant.
Coding change: c.660C>A on transcript NM_005902.4 (MANE Select); coding-DNA position 660, C replaced by A.
Protein change: p.Asp220Glu; replaces aspartic acid 220 with glutamic acid.
Molecular consequence: missense variant.
Genome position (GRCh38, 1-based): chr15:67,181,242, C>A. VCF-style: chr15-67181242-C-A. GRCh37 (hg19) VCF-style: chr15-67473580-C-A.
Other names: c.345C>A, p.Asp115Glu (NM_001145102.2, NM_001407016.1); c.528C>A, p.Asp176Glu (NM_001145103.2, NM_001407012.1); c.75C>A, p.Asp25Glu (NM_001145104.2, NM_001407017.1); c.660C>A, p.Asp220Glu (NM_001407011.1, NM_001407013.1); c.513C>A, p.Asp171Glu (NM_001407014.1); c.213C>A, p.Asp71Glu (NM_001407015.1); short protein forms D115E, D171E, D176E, D220E, D25E, D71E.
Identifiers: ClinVar variation 3072924 (VCV003072924.1), dbSNP rs1963044305, ClinGen allele CA392955824.
Genomic context (GRCh38, chr15:67,181,242, plus strand): 5'-TCGAGGGAGCATGGGGCTTGGGACACCCAATGACCCAGTAGCCCACCCTGTGTCCACAGA[C>A]CTGCAGCCAGTTACCTACTGCGAGCCGGCCTTCTGGTGCTCCATCTCCTACTACGAGCTG-3'
Protein context (NP_005893.1, residues 210-230): NPMSPAHNNL[Asp220Glu]LQPVTYCEPA

ClinVar aggregate classification (germline): Uncertain significance (1 of 4 stars; one submission).

Conditions:
Aneurysm-osteoarthritis syndrome. Also called: SMAD3-Related Loeys-Dietz Syndrome; ANEURYSMS-OSTEOARTHRITIS SYNDROME; Loeys-Dietz syndrome, type 1C; LOEYS-DIETZ SYNDROME WITH OSTEOARTHRITIS. Identifiers: Orphanet 284984, MedGen C3151087, MONDO:0013426, OMIM 613795.

Submission:

All of Us Research Program, National Institutes of Health
Classification: Uncertain significance for Aneurysm-osteoarthritis syndrome. Last evaluated: 2023-08-15. Review status: criteria provided, single submitter. Criteria: ACMG Guidelines, 2015. Collection method: clinical testing. Allele origin: germline. Inheritance: Autosomal dominant inheritance. Observed: 1 variant allele, 1 heterozygote.
Comment: This missense variant replaces aspartic acid with glutamic acid at codon 220 of the SMAD3 protein. Computational prediction suggests that this variant may not impact protein structure and function (internally defined REVEL score threshold <= 0.5, PMID: 27666373). To our knowledge, functional studies have not been reported for this variant. This variant has not been reported in individuals affected with SMAD3-related disorders in the literature. This variant has not been identified in the general population by the Genome Aggregation Database (gnomAD). The available evidence is insufficient to determine the role of this variant in disease conclusively. Therefore, this variant is classified as a Variant of Uncertain Significance.

This study involves interpretation of variants in research participants for the purpose of population health screening. Participant phenotype was not available at the time of variant classification. Additional details can be found in publication PMID: 35346344, PMCID: PMC8962531